The following is an entry in ClinVar:

NM_018012.4(KIF26B):c.2098+9G>A

Gene: KIF26B (kinesin family member 26B; plus strand). Cytogenetic location: 1q44.
Variant type: single nucleotide variant.
Coding change: c.2098+9G>A on transcript NM_018012.4 (MANE Select); 9 bases into the intron after coding-DNA position 2098, G replaced by A.
Molecular consequence: intron variant.
Genome position (GRCh38, 1-based): chr1:245,611,985, G>A. VCF-style: chr1-245611985-G-A. GRCh37 (hg19) VCF-style: chr1-245775287-G-A.
Identifiers: ClinVar variation 3055897 (VCV003055897.2), dbSNP rs144325629, ClinGen allele CA1487862.

ClinVar aggregate classification (germline): Benign (0 of 4 stars; one submission).

Conditions:
KIF26B-related disorder. Also called: KIF26B-related condition.

Allele frequency attached by ClinVar (database versions not stated): 1000 Genomes Project 30x 0.00344; 1000 Genomes Project 0.00359; TOPMed 0.00927; gnomAD 0.01165; ExAC 0.01293; ESP Exome Variant Server 0.01314; gnomAD exomes 0.01496.
gnomAD v4.1: 23,538 of 1,609,226 alleles (1.5%); highest among the groups gnomAD compares: Non-Finnish European, 1.6%; 190 homozygotes.

Submission:

PreventionGenetics, part of Exact Sciences
Classification: Benign for KIF26B-related condition. Last evaluated: 2019-09-17. Review status: no assertion criteria provided. Collection method: clinical testing. Allele origin: germline.
Comment: This variant is classified as benign based on ACMG/AMP sequence variant interpretation guidelines (Richards et al. 2015 PMID: 25741868, with internal and published modifications).